The following is an entry in ClinVar:

ClinVar aggregate classification (germline): Uncertain significance. Review status: criteria provided, multiple submitters, no conflicts (2 of 4 stars). 2 submissions from 2 submitters: Uncertain significance (2). Last evaluated 2025-06-09.

gnomAD v4.1: 3 of 1,614,230 alleles (0.00019%); highest among the groups gnomAD compares: East Asian, 0.0045%; no homozygotes.

Submissions (2):

Dasa
Classification: Uncertain significance. Last evaluated: 2025-06-09. Review status: criteria provided, single submitter. Criteria: DASA Assertion Criteria. Collection method: clinical testing. Allele origin: germline.
Comment: NM_001365951.3(KIF1B):c.5143T>C (p.Tyr1715His) is a missense variant that results in the substitution of tyrosine with histidine. This variant is rare in population databases. Computational prediction algorithms are consistent with a benign effect. The currently available literature and clinical evidence are not sufficient to establish a definitive association between this variant and the reported condition. Therefore, this variant is classified as a variant of uncertain significance.

Ambry Genetics
Classification: Uncertain significance. Last evaluated: 2024-09-01. Review status: criteria provided, single submitter. Criteria: Ambry Variant Classification Scheme 2023. Collection method: clinical testing. Allele origin: germline.
Comment: The p.Y1669H variant (also known as c.5005T>C), located in coding exon 44 of the KIF1B gene, results from a T to C substitution at nucleotide position 5005. The tyrosine at codon 1669 is replaced by histidine, an amino acid with similar properties. This amino acid position is conserved. In addition, this alteration is predicted to be tolerated by in silico analysis. Based on the available evidence, the clinical significance of this variant remains unclear.

NM_001365951.3(KIF1B):c.5143T>C (p.Tyr1715His)

Gene: KIF1B (kinesin family member 1B; plus strand). Cytogenetic location: 1p36.22.
Variant type: single nucleotide variant.
Coding change: c.5143T>C on transcript NM_001365951.3 (MANE Select); coding-DNA position 5143, T replaced by C.
Protein change: p.Tyr1715His; replaces tyrosine 1715 with histidine.
Molecular consequence: missense variant.
Genome position (GRCh38, 1-based): chr1:10,374,900, T>C. VCF-style: chr1-10374900-T-C. GRCh37 (hg19) VCF-style: chr1-10434958-T-C.
Other names: c.5143T>C, p.Tyr1715His (NM_001365952.1); c.5005T>C, p.Tyr1669His (NM_015074.3); short protein forms Y1715H, Y1669H.
Identifiers: ClinVar variation 3533997 (VCV003533997.3).